The following is an entry in ClinVar:

ClinVar aggregate classification (germline): Uncertain significance (1 of 4 stars; one submission).

Conditions:
Combined immunodeficiency due to MALT1 deficiency. Also called: Immunodeficiency 12. Identifiers: Orphanet 397964, MedGen C3809583, MONDO:0014197, OMIM 615468.

Allele frequency attached by ClinVar (database versions not stated): gnomAD exomes below 0.00001.
gnomAD v4.1: 2 of 1,608,542 alleles (0.00012%); highest among the groups gnomAD compares: Non-Finnish European, 0.00017%; no homozygotes.

Submission:

Labcorp Genetics (formerly Invitae), Labcorp
Classification: Uncertain significance for Combined immunodeficiency due to MALT1 deficiency. Last evaluated: 2022-08-19. Review status: criteria provided, single submitter. Criteria: Invitae Variant Classification Sherloc (09022015). Collection method: clinical testing. Allele origin: germline.
Comment: In summary, the available evidence is currently insufficient to determine the role of this variant in disease. Therefore, it has been classified as a Variant of Uncertain Significance. Algorithms developed to predict the effect of missense changes on protein structure and function output the following: SIFT: "Deleterious"; PolyPhen-2: "Benign"; Align-GVGD: "Class C25". The valine amino acid residue is found in multiple mammalian species, which suggests that this missense change does not adversely affect protein function. ClinVar contains an entry for this variant (Variation ID: 1442818). This variant has not been reported in the literature in individuals affected with MALT1-related conditions. This variant is not present in population databases (gnomAD no frequency). This sequence change replaces isoleucine, which is neutral and non-polar, with valine, which is neutral and non-polar, at codon 618 of the MALT1 protein (p.Ile618Val).

NM_006785.4(MALT1):c.1852A>G (p.Ile618Val)

Gene: MALT1 (MALT1 paracaspase; plus strand). Cytogenetic location: 18q21.32.
Variant type: single nucleotide variant.
Coding change: c.1852A>G on transcript NM_006785.4 (MANE Select); coding-DNA position 1852, A replaced by G.
Protein change: p.Ile618Val; replaces isoleucine 618 with valine.
Molecular consequence: missense variant.
Genome position (GRCh38, 1-based): chr18:58,744,436, A>G. VCF-style: chr18-58744436-A-G. GRCh37 (hg19) VCF-style: chr18-56411668-A-G.
Other names: c.1819A>G, p.Ile607Val (NM_173844.3); short protein forms I607V, I618V.
Identifiers: ClinVar variation 1442818 (VCV001442818.6), dbSNP rs2144488994, ClinGen allele CA402575937.